The following is an entry in ClinVar:

ClinVar aggregate classification (germline): Likely benign. Review status: criteria provided, multiple submitters, no conflicts (2 of 4 stars). 3 submissions from 3 submitters: Likely benign (2). 1 of the submissions does not count toward it. Last evaluated 2025-10-11.

Conditions:
ZAP70-related disorder. Also called: ZAP70-related condition.
Combined immunodeficiency due to ZAP70 deficiency (IMD48). Also called: ZAP70 Deficiency; Immunodeficiency 48. Identifiers: Orphanet 911, MedGen C2931299, MONDO:0010023, OMIM 269840.

Allele frequency attached by ClinVar (database versions not stated): ExAC 0.00004.
gnomAD v4.1: 32 of 1,613,930 alleles (0.002%); highest among the groups gnomAD compares: Middle Eastern, 0.082%; no homozygotes.

Submissions (3):

Labcorp Genetics (formerly Invitae), Labcorp
Classification: Likely benign for Combined immunodeficiency due to ZAP70 deficiency. Last evaluated: 2025-10-11. Review status: criteria provided, single submitter. Criteria: Invitae Variant Classification Sherloc (09022015). Collection method: clinical testing. Allele origin: germline.

CeGaT Center for Human Genetics Tuebingen
Classification: Likely benign. Last evaluated: 2025-04-01. Review status: criteria provided, single submitter. Criteria: CeGaT Center For Human Genetics Tuebingen Variant Classification Criteria Version 2. Collection method: clinical testing. Allele origin: germline. Affected: yes. Observed: 1 variant allele.
Comment: ZAP70: BP4, BP7

PreventionGenetics, part of Exact Sciences
Classification: Likely benign for ZAP70-related condition. Last evaluated: 2019-06-05. Review status: no assertion criteria provided. Collection method: clinical testing. Allele origin: germline. Not counted in ClinVar's aggregate classification.
Comment: This variant is classified as likely benign based on ACMG/AMP sequence variant interpretation guidelines (Richards et al. 2015 PMID: 25741868, with internal and published modifications).

NM_001079.4(ZAP70):c.573G>A (p.Pro191=)

Gene: ZAP70 (zeta chain of T cell receptor associated protein kinase 70; plus strand). Cytogenetic location: 2q11.2.
Variant type: single nucleotide variant.
Coding change: c.573G>A on transcript NM_001079.4 (MANE Select); coding-DNA position 573, G replaced by A.
Protein change: p.Pro191=; no amino-acid change (proline 191 retained).
Molecular consequence: synonymous variant.
Genome position (GRCh38, 1-based): chr2:97,732,892, G>A. VCF-style: chr2-97732892-G-A. GRCh37 (hg19) VCF-style: chr2-98349355-G-A.
Other names: c.573G>A, p.Pro191= (NM_001378594.1).
Identifiers: ClinVar variation 2726548 (VCV002726548.15), dbSNP rs762743272, ClinGen allele CA1790143.